The following is an entry in ClinVar:

ClinVar aggregate classification (germline): Uncertain significance (1 of 4 stars; one submission).

Conditions:
Developmental and epileptic encephalopathy, 66. Also called: EPILEPTIC ENCEPHALOPATHY, EARLY INFANTILE, 66. Identifiers: MedGen C4748070, MONDO:0054845, OMIM 618067.

gnomAD v4.1: 4 of 1,612,532 alleles (0.00025%); highest among the groups gnomAD compares: South Asian, 0.0044%; no homozygotes.

Submission:

Neuberg Centre For Genomic Medicine, NCGM
Classification: Uncertain significance for Developmental and epileptic encephalopathy, 66. Review status: criteria provided, single submitter. Criteria: ACMG Guidelines, 2015. Collection method: clinical testing. Allele origin: germline. Inheritance: Autosomal dominant inheritance. Affected: yes.
Comment: The observed missense variant c.148G>A (p.Val50Met) in PACS2 gene has not been reported previously as a pathogenic variant nor as a benign variant, to our knowledge. The p.Val50Met variant is abent in gnomAD Exomes database. This variant has not been submitted to the ClinVar database. The amino acid change p.Val50Met in PACS2 is predicted as conserved by GERP++ and PhyloP across 100 vertebrates. The amino acid Val at position 50 is changed to a Met changing protein sequence and it might alter its composition and physico-chemical properties. For these reasons, this variant has been classified as a Variant of Uncertain Significance (VUS).

NM_001100913.3(PACS2):c.148G>A (p.Val50Met)

Gene: PACS2 (phosphofurin acidic cluster sorting protein 2; plus strand). Cytogenetic location: 14q32.33.
Variant type: single nucleotide variant.
Coding change: c.148G>A on transcript NM_001100913.3 (MANE Select); coding-DNA position 148, G replaced by A.
Protein change: p.Val50Met; replaces valine 50 with methionine.
Molecular consequence: missense variant. On other transcripts: 5 prime UTR variant (1).
Genome position (GRCh38, 1-based): chr14:105,348,521, G>A. VCF-style: chr14-105348521-G-A. GRCh37 (hg19) VCF-style: chr14-105814858-G-A.
Other names: c.-54G>A (NM_001243127.3); c.148G>A, p.Val50Met (NM_015197.4); short protein forms V50M.
Identifiers: ClinVar variation 3241977 (VCV003241977.1), dbSNP rs587618706.